The following is an entry in ClinVar:

ClinVar aggregate classification (germline): Conflicting classifications of pathogenicity. Review status: criteria provided, conflicting classifications (1 of 4 stars). 2 submissions from 2 submitters: Uncertain significance (1); Likely benign (1). Last evaluated 2025-12-26.

Conditions:
Catecholaminergic polymorphic ventricular tachycardia 1. Also called: VENTRICULAR TACHYCARDIA, CATECHOLAMINERGIC POLYMORPHIC, 1, WITH OR WITHOUT ATRIAL DYSFUNCTION AND/OR DILATED CARDIOMYOPATHY; RYR2-Related Catecholaminergic Polymorphic Ventricular Tachycardia; VENTRICULAR TACHYCARDIA, STRESS-INDUCED POLYMORPHIC 1. Identifiers: Orphanet 3286, MedGen C1631597, MONDO:0011484, OMIM 604772.
Cardiovascular phenotype. Identifiers: MedGen CN230736.

Submissions (2):

Ambry Genetics
Classification: Uncertain significance for Cardiovascular phenotype. Last evaluated: 2025-12-26. Review status: criteria provided, single submitter. Criteria: Ambry Variant Classification Scheme 2023. Collection method: clinical testing. Allele origin: germline.
Comment: The c.1598-7_1598-4delATTT intronic variant, located in intron 27 of the TRDN gene, results from a deletion of 4 nucleotides within intron 27 of the TRDN gene. This nucleotide region ranges from well conserved to not well conserved in available vertebrate species. In silico splice site analysis predicts that this alteration may weaken the native splice acceptor site. Based on the available evidence, the clinical significance of this variant remains unclear.

Labcorp Genetics (formerly Invitae), Labcorp
Classification: Likely benign for Catecholaminergic polymorphic ventricular tachycardia 1. Last evaluated: 2025-07-28. Review status: criteria provided, single submitter. Criteria: Invitae Variant Classification Sherloc (09022015). Collection method: clinical testing. Allele origin: germline.

NM_006073.4(TRDN):c.1598-15ATTT[2]

Gene: TRDN (triadin; minus strand). Cytogenetic location: 6q22.31.
Variant type: Microsatellite.
Coding change: c.1598-15ATTT[2] on transcript NM_006073.4 (MANE Select); two copies in a row of the 4-base unit ATTT starting at c.1598-15; the reference has three copies in a row; one copy, 4 bases deleted.
Molecular consequence: intron variant.
Genome position (GRCh38, 1-based): chr6:123,273,367-123,273,370, AAAT deleted on the plus strand (ATTT on the coding strand, the reverse complement: TRDN is on the minus strand); deleting any 4 consecutive bases within chr6:123,273,367-123,273,380 gives the same sequence; the position shown is the placement nearest the transcript's 3' end. VCF-style (leftmost placement, unchanged base first): chr6-123273366-AAAAT-A. GRCh37 (hg19) VCF-style: chr6-123594511-AAAAT-A.
Other names: c.1598-7_1598-4delATTT (NM_006073.2).
Identifiers: ClinVar variation 2014699 (VCV002014699.5), dbSNP rs1562240669, ClinGen allele CA570331595.